The following is an entry in ClinVar:

ClinVar aggregate classification (germline): Uncertain significance (1 of 4 stars; one submission).

Submission:

Labcorp Genetics (formerly Invitae), Labcorp
Classification: Uncertain significance. Last evaluated: 2024-04-22. Review status: criteria provided, single submitter. Criteria: Invitae Variant Classification Sherloc (09022015). Collection method: clinical testing. Allele origin: germline.
Comment: This sequence change replaces valine, which is neutral and non-polar, with methionine, which is neutral and non-polar, at codon 1222 of the CACNA1D protein (p.Val1222Met). This variant is not present in population databases (gnomAD no frequency). This variant has not been reported in the literature in individuals affected with CACNA1D-related conditions. Advanced modeling of protein sequence and biophysical properties (such as structural, functional, and spatial information, amino acid conservation, physicochemical variation, residue mobility, and thermodynamic stability) performed at Invitae indicates that this missense variant is expected to disrupt CACNA1D protein function with a positive predictive value of 80%. In summary, the available evidence is currently insufficient to determine the role of this variant in disease. Therefore, it has been classified as a Variant of Uncertain Significance.

NM_001128840.3(CACNA1D):c.3604G>A (p.Val1202Met)

Gene: CACNA1D (calcium voltage-gated channel subunit alpha1 D; plus strand). Cytogenetic location: 3p21.1.
Variant type: single nucleotide variant.
Coding change: c.3604G>A on transcript NM_001128840.3 (MANE Select); coding-DNA position 3604, G replaced by A.
Protein change: p.Val1202Met; replaces valine 1202 with methionine.
Molecular consequence: missense variant.
Genome position (GRCh38, 1-based): chr3:53,751,836, G>A. VCF-style: chr3-53751836-G-A. GRCh37 (hg19) VCF-style: chr3-53785863-G-A.
Other names: c.3664G>A, p.Val1222Met (NM_000720.4); c.3604G>A, p.Val1202Met (NM_001128839.3); short protein forms V1222M, V1202M.
Identifiers: ClinVar variation 3678970 (VCV003678970.2).